The following is an entry in ClinVar:

ClinVar aggregate classification (germline): Pathogenic. Review status: criteria provided, multiple submitters, no conflicts (2 of 4 stars). 2 submissions from 2 submitters: Pathogenic (2). Last evaluated 2024-01-01.

Conditions:
Seizures, benign familial infantile, 3 (BFIS3). Also called: Familial neonatal seizures; CONVULSIONS, BENIGN FAMILIAL INFANTILE, 3. Identifiers: Orphanet 140927, Orphanet 306, MedGen C1843140, MONDO:0011904, OMIM 607745.
Developmental and epileptic encephalopathy, 11 (DEE11). Also called: Early infantile epileptic encephalopathy 11. Identifiers: Orphanet 1934, MedGen C3150987, MONDO:0013388, OMIM 613721.

Submissions (2):

CeGaT Center for Human Genetics Tuebingen
Classification: Pathogenic. Last evaluated: 2024-01-01. Review status: criteria provided, single submitter. Criteria: CeGaT Center For Human Genetics Tuebingen Variant Classification Criteria Version 2. Collection method: clinical testing. Allele origin: germline. Affected: yes. Observed: 1 variant allele.
Comment: SCN2A: PVS1, PM2

Labcorp Genetics (formerly Invitae), Labcorp
Classification: Pathogenic for Seizures, benign familial infantile, 3; Developmental and epileptic encephalopathy, 11. Last evaluated: 2023-04-02. Review status: criteria provided, single submitter. Criteria: Invitae Variant Classification Sherloc (09022015). Collection method: clinical testing. Allele origin: germline.
Comment: For these reasons, this variant has been classified as Pathogenic. This variant has not been reported in the literature in individuals affected with SCN2A-related conditions. This variant is not present in population databases (gnomAD no frequency). This sequence change creates a premature translational stop signal (p.Trp1424*) in the SCN2A gene. It is expected to result in an absent or disrupted protein product. Loss-of-function variants in SCN2A are known to be pathogenic (PMID: 28379373).

Literature cited by the submitters: PubMed 28379373 (cited by Labcorp Genetics (formerly Invitae), Labcorp).

NM_001040142.2(SCN2A):c.4272G>A (p.Trp1424Ter)

Gene: SCN2A (sodium voltage-gated channel alpha subunit 2; plus strand). Cytogenetic location: 2q24.3.
Variant type: single nucleotide variant.
Coding change: c.4272G>A on transcript NM_001040142.2 (MANE Select); coding-DNA position 4272, G replaced by A.
Protein change: p.Trp1424Ter; replaces tryptophan 1424 with a stop codon.
Molecular consequence: nonsense.
Genome position (GRCh38, 1-based): chr2:165,377,614, G>A. VCF-style: chr2-165377614-G-A. GRCh37 (hg19) VCF-style: chr2-166234124-G-A.
Other names: c.4272G>A, p.Trp1424Ter (NM_001040143.2, NM_001371246.1, NM_001371247.1 and 1 more transcripts); short protein forms W1424*.
Identifiers: ClinVar variation 2946060 (VCV002946060.25), dbSNP rs1553461665, ClinGen allele CA349032999.
Genomic context (GRCh38, chr2:165,377,614, plus strand): 5'-TATAATTTTGGGAAAAAAGAAAATGATATGACTTTTCTTACAGGCCACGTTTAAGGGATG[G>A]ATGGATATTATGTATGCAGCTGTTGATTCACGAAATGTAAGTCTAGTTAGAGGGAAATTG-3'